The following is an entry in ClinVar:

NM_022455.5(NSD1):c.1492C>T (p.Arg498Ter)

Gene: NSD1 (nuclear receptor binding SET domain protein 1; plus strand). Cytogenetic location: 5q35.3.
Variant type: single nucleotide variant.
Coding change: c.1492C>T on transcript NM_022455.5 (MANE Select); coding-DNA position 1492, C replaced by T.
Protein change: p.Arg498Ter; replaces arginine 498 with a stop codon.
Molecular consequence: nonsense.
Genome position (GRCh38, 1-based): chr5:177,209,891, C>T. VCF-style: chr5-177209891-C-T. GRCh37 (hg19) VCF-style: chr5-176636892-C-T.
Other names: c.619C>T, p.Arg207Ter (NM_001365684.2, NM_001409306.1, NM_001409307.1 and 3 more transcripts); c.1492C>T, p.Arg498Ter (NM_001409301.1, NM_001409302.1, NM_001409303.1); c.1072C>T, p.Arg358Ter (NM_001409304.1); c.739C>T, p.Arg247Ter (NM_001409305.1); short protein forms R498*, R229*, R358*, R247*, R207*.
Identifiers: ClinVar variation 646362 (VCV000646362.15), dbSNP rs1581315609, ClinGen allele CA362309969.

ClinVar aggregate classification (germline): Pathogenic. Review status: criteria provided, multiple submitters, no conflicts (2 of 4 stars). 5 submissions from 5 submitters: Pathogenic (4). 1 of the submissions does not count toward it. Last evaluated 2025-07-16.

Conditions:
Sotos syndrome (SOTOS). Also called: CHROMOSOME 5q35 DELETION SYNDROME; CEREBRAL GIGANTISM; Sotos' syndrome; SOTOS SYNDROME 1; Distinctive facial appearance, overgrowth in childhood, and learning disabilities or delayed development. Identifiers: Orphanet 821, MedGen C0175695, MONDO:0019349, OMIM 117550.

Allele frequency attached by ClinVar (database versions not stated): gnomAD exomes below 0.00001.

Submissions (5):

3billion
Classification: Pathogenic for Sotos syndrome. Last evaluated: 2025-07-16. Review status: criteria provided, single submitter. Criteria: ACMG Guidelines, 2015. Collection method: clinical testing. Allele origin: germline. Affected: yes.
Comment: The variant is observed at an extremely low frequency in the gnomAD v4.1.0 dataset (total allele frequency: <0.001%). Predicted Consequence/Location: Stop-gained (nonsense): predicted to result in a loss or disruption of normal protein function through nonsense-mediated decay (NMD) or protein truncation. Multiple pathogenic variants are reported downstream of the variant. The variant has been reported at least twice as pathogenic with clinical assertions and evidence for the classification (ClinVar ID: VCV000646362 /PMID: 12464997 /3billion dataset). Therefore, this variant is classified as Pathogenic according to the recommendation of ACMG/AMP guideline.

Labcorp Genetics (formerly Invitae), Labcorp
Classification: Pathogenic. Last evaluated: 2023-09-29. Review status: criteria provided, single submitter. Criteria: Invitae Variant Classification Sherloc (09022015). Collection method: clinical testing. Allele origin: germline.
Comment: This premature translational stop signal has been observed in individual(s) with Sotos-like syndrome (PMID: 12464997; Invitae). This variant is not present in population databases (gnomAD no frequency). This sequence change creates a premature translational stop signal (p.Arg498*) in the NSD1 gene. It is expected to result in an absent or disrupted protein product. Loss-of-function variants in NSD1 are known to be pathogenic (PMID: 12464997, 14571271, 15942875, 16247291). ClinVar contains an entry for this variant (Variation ID: 646362). For these reasons, this variant has been classified as Pathogenic.

GeneDx
Classification: Pathogenic. Last evaluated: 2022-12-06. Review status: criteria provided, single submitter. Criteria: GeneDx Variant Classification Process June 2021. Collection method: clinical testing. Allele origin: germline. Affected: yes.
Comment: Identified in patients with Sotos syndrome or Sotos-like phenotype (Douglas et al., 2003; Turkmen at al., 2003; Tatton-Brown et al., 2005; Saugier-Veber et al., 2007); Nonsense variant predicted to result in protein truncation or nonsense mediated decay in a gene for which loss-of-function is a known mechanism of disease; Not observed at significant frequency in large population cohorts (gnomAD); This variant is associated with the following publications: (PMID: 25525159, 12464997, 14571271, 15942875, 30202406, 17565729, 34386909)

Genome-Nilou Lab
Classification: Pathogenic for Sotos syndrome. Last evaluated: 2021-07-15. Review status: criteria provided, single submitter. Criteria: ACMG Guidelines, 2015. Collection method: clinical testing. Allele origin: germline. Affected: no.

Department of Rehabilitation Medicine, Incheon St. Mary’s Hospital, College of Medicine, The Catholic University of Korea
Classification: Pathogenic for Sotos syndrome. Review status: no assertion criteria provided. Collection method: clinical testing. Allele origin: de novo. Affected: yes. Not counted in ClinVar's aggregate classification.

Literature cited by the submitters: PubMed 12464997 (cited by 3billion and Labcorp Genetics (formerly Invitae), Labcorp); PubMed 14571271 (cited by Labcorp Genetics (formerly Invitae), Labcorp); PubMed 15942875 (cited by Labcorp Genetics (formerly Invitae), Labcorp); PubMed 16247291 (cited by Labcorp Genetics (formerly Invitae), Labcorp).